The following is an entry in ClinVar:

NM_020778.5(ALPK3):c.1296G>C (p.Glu432Asp)

Gene: ALPK3 (alpha kinase 3; plus strand). Cytogenetic location: 15q25.3.
Variant type: single nucleotide variant.
Coding change: c.1296G>C on transcript NM_020778.5 (MANE Select); coding-DNA position 1296, G replaced by C.
Protein change: p.Glu432Asp; replaces glutamic acid 432 with aspartic acid.
Molecular consequence: missense variant.
Genome position (GRCh38, 1-based): chr15:84,840,575, G>C. VCF-style: chr15-84840575-G-C. GRCh37 (hg19) VCF-style: chr15-85383806-G-C.
Other names: short protein forms E432D.
Identifiers: ClinVar variation 3650739 (VCV003650739.2).
Genomic context (GRCh38, chr15:84,840,575, plus strand): 5'-TTTCTCCTTGAAGGACATGTACCTGGAGAACACCCAGGCAGTCAGGCCTCTTGGGGAAGA[G>C]GGACCCCAGACCCTGAGTGTCCGGGCGCCTGGGGAGAGTCCCAAGGGGAAGGCACCCCTC-3'
Protein context (NP_065829.4, residues 422-442): NTQAVRPLGE[Glu432Asp]GPQTLSVRAP

ClinVar aggregate classification (germline): Uncertain significance (1 of 4 stars; one submission).

Submission:

Labcorp Genetics (formerly Invitae), Labcorp
Classification: Uncertain significance. Last evaluated: 2024-04-30. Review status: criteria provided, single submitter. Criteria: Invitae Variant Classification Sherloc (09022015). Collection method: clinical testing. Allele origin: germline.
Comment: This sequence change replaces glutamic acid, which is acidic and polar, with aspartic acid, which is acidic and polar, at codon 634 of the ALPK3 protein (p.Glu634Asp). This variant is not present in population databases (gnomAD no frequency). This variant has not been reported in the literature in individuals affected with ALPK3-related conditions. Algorithms developed to predict the effect of missense changes on protein structure and function output the following: SIFT: "Not Available"; PolyPhen-2: "Benign"; Align-GVGD: "Not Available". The aspartic acid amino acid residue is found in multiple mammalian species, which suggests that this missense change does not adversely affect protein function. In summary, the available evidence is currently insufficient to determine the role of this variant in disease. Therefore, it has been classified as a Variant of Uncertain Significance.